The following is an entry in ClinVar:

NM_004782.4(SNAP29):c.538dup (p.Ala180fs)

Gene: SNAP29 (synaptosome associated protein 29; plus strand). Cytogenetic location: 22q11.21.
Variant type: Duplication.
Coding change: c.538dup on transcript NM_004782.4 (MANE Select); coding-DNA position 538, one base duplicated (G; older notation c.538dupG).
Protein change: p.Ala180fs; shifts the reading frame from alanine 180.
Molecular consequence: frameshift variant.
Genome position (GRCh38, 1-based): chr22:20,883,488, G duplicated; the last of 4 consecutive G bases (chr22:20,883,485-20,883,488); duplicating any one gives the same sequence. VCF-style (leftmost placement, unchanged base first): chr22-20883484-A-AG. GRCh37 (hg19) VCF-style: chr22-21237772-A-AG.
Other names: c.538dupG (NM_004782.3); short protein forms A180fs.
Identifiers: ClinVar variation 2871263 (VCV002871263.4), dbSNP rs1405780453, ClinGen allele CA751561362.
Genomic context (GRCh38, chr22:20,883,484, plus strand): 5'-AAGGAATGTCAATTAACCGCTCTCCTGGTGTTTCCTTCTAAACTTAGACCCTGTCCCCAG[A>AG]GGGGCTGGTTCTGCCATGAGTACTGATGCTTACCCAAAGAACCCACACCTTCGAGCCTAT-3'

ClinVar aggregate classification (germline): Pathogenic/Likely pathogenic. Review status: criteria provided, multiple submitters, no conflicts (2 of 4 stars). 2 submissions from 2 submitters: Pathogenic (1); Likely pathogenic (1). Last evaluated 2025-11-03.

Conditions:
SNAP29-related disorder. Also called: SNAP29-related condition.

Submissions (2):

PreventionGenetics, part of Exact Sciences
Classification: Likely pathogenic for SNAP29-related condition. Last evaluated: 2025-11-03. Review status: criteria provided, single submitter. Criteria: ACMG Guidelines, 2015. Collection method: clinical testing. Allele origin: germline.
Comment: The SNAP29 c.538dupG variant is predicted to result in a frameshift and premature protein termination (p.Ala180Glyfs*8). To our knowledge, this variant has not been reported in the literature or in a large population database (gnomAD), indicating this variant is rare. Frameshift variants in SNAP29 are expected to be pathogenic. This variant is interpreted as likely pathogenic.

Labcorp Genetics (formerly Invitae), Labcorp
Classification: Pathogenic. Last evaluated: 2024-01-27. Review status: criteria provided, single submitter. Criteria: Invitae Variant Classification Sherloc (09022015). Collection method: clinical testing. Allele origin: germline.
Comment: This sequence change creates a premature translational stop signal (p.Ala180Glyfs*8) in the SNAP29 gene. It is expected to result in an absent or disrupted protein product. Loss-of-function variants in SNAP29 are known to be pathogenic (PMID: 15968592, 21073448). This variant is not present in population databases (gnomAD no frequency). This variant has not been reported in the literature in individuals affected with SNAP29-related conditions. For these reasons, this variant has been classified as Pathogenic.

Literature cited by the submitters: PubMed 15968592 (cited by Labcorp Genetics (formerly Invitae), Labcorp); PubMed 21073448 (cited by Labcorp Genetics (formerly Invitae), Labcorp).